The following is an entry in ClinVar:

NM_000256.3(MYBPC3):c.2965del (p.Glu989fs)

Gene: MYBPC3 (myosin binding protein C3; minus strand). Cytogenetic location: 11p11.2.
Variant type: Deletion.
Coding change: c.2965del on transcript NM_000256.3 (MANE Select); coding-DNA position 2965, one base deleted (G; older notation c.2965delG).
Protein change: p.Glu989fs; shifts the reading frame from glutamic acid 989.
Molecular consequence: frameshift variant.
Genome position (GRCh38, 1-based): chr11:47,333,951, C deleted on the plus strand (G on the coding strand, the reverse complement: MYBPC3 is on the minus strand); the first of 4 consecutive C bases (chr11:47,333,951-47,333,954); deleting any one gives the same sequence. VCF-style (leftmost placement, unchanged base first): chr11-47333950-TC-T. GRCh37 (hg19) VCF-style: chr11-47355501-TC-T.
Other names: short protein forms E989fs.
Identifiers: ClinVar variation 4727665 (VCV004727665.1).

ClinVar aggregate classification (germline): Pathogenic (1 of 4 stars; one submission).

Conditions:
Hypertrophic cardiomyopathy. Also called: HYPERTROPHIC MYOCARDIOPATHY. Identifiers: Orphanet 217569, MedGen C0007194, MeSH D002312, MONDO:0005045, HP:0001639.

Submission:

Labcorp Genetics (formerly Invitae), Labcorp
Classification: Pathogenic for Hypertrophic cardiomyopathy. Last evaluated: 2025-09-22. Review status: criteria provided, single submitter. Criteria: Invitae Variant Classification Sherloc (09022015). Collection method: clinical testing. Allele origin: germline.
Comment: This sequence change creates a premature translational stop signal (p.Glu989Serfs*3) in the MYBPC3 gene. It is expected to result in an absent or disrupted protein product. Loss-of-function variants in MYBPC3 are known to be pathogenic (PMID: 19574547). This variant is not present in population databases (gnomAD no frequency). This variant has not been reported in the literature in individuals affected with MYBPC3-related conditions. For these reasons, this variant has been classified as Pathogenic.

Literature cited by the submitters: PubMed 19574547.